The following is an entry in ClinVar:

ClinVar aggregate classification (germline): Uncertain significance. Review status: criteria provided, multiple submitters, no conflicts (2 of 4 stars). 2 submissions from 2 submitters: Uncertain significance (2). Last evaluated 2025-04-24.

Conditions:
Primary dilated cardiomyopathy (DCM). Also called: Dilated Cardiomyopathy. Identifiers: Orphanet 217604, MedGen C0007193, MeSH D002311, MONDO:0005021, HP:0001644. Inheritance: Various modes of inheritance.

gnomAD v4.1: 8 of 1,611,388 alleles (0.0005%); highest among the groups gnomAD compares: East Asian, 0.018%; no homozygotes.

Submissions (2):

Labcorp Genetics (formerly Invitae), Labcorp
Classification: Uncertain significance for Primary dilated cardiomyopathy. Last evaluated: 2025-04-24. Review status: criteria provided, single submitter. Criteria: Invitae Variant Classification Sherloc (09022015). Collection method: clinical testing. Allele origin: germline.
Comment: This sequence change replaces valine, which is neutral and non-polar, with leucine, which is neutral and non-polar, at codon 220 of the NEBL protein (p.Val220Leu). This variant is present in population databases (no rsID available, gnomAD 0.02%). This variant has not been reported in the literature in individuals affected with NEBL-related conditions. ClinVar contains an entry for this variant (Variation ID: 1057965). An algorithm developed to predict the effect of missense changes on protein structure and function (PolyPhen-2) suggests that this variant is likely to be tolerated. In summary, the available evidence is currently insufficient to determine the role of this variant in disease. Therefore, it has been classified as a Variant of Uncertain Significance.

Ambry Genetics
Classification: Uncertain significance. Last evaluated: 2023-01-22. Review status: criteria provided, single submitter. Criteria: Ambry Variant Classification Scheme 2023. Collection method: clinical testing. Allele origin: germline.
Comment: The p.V220L variant (also known as c.658G>T), located in coding exon 7 of the NEBL gene, results from a G to T substitution at nucleotide position 658. The valine at codon 220 is replaced by leucine, an amino acid with highly similar properties. This amino acid position is conserved. In addition, this alteration is predicted to be tolerated by in silico analysis. Since supporting evidence is limited at this time, the clinical significance of this alteration remains unclear.

NM_006393.3(NEBL):c.658G>T (p.Val220Leu)

Gene: NEBL (nebulette; minus strand). Cytogenetic location: 10p12.31.
Variant type: single nucleotide variant.
Coding change: c.658G>T on transcript NM_006393.3 (MANE Select); coding-DNA position 658, G replaced by T.
Protein change: p.Val220Leu; replaces valine 220 with leucine.
Molecular consequence: missense variant. On other transcripts: intron variant (9).
Genome position (GRCh38, 1-based): chr10:20,868,690, C>A on the plus strand (G>T on the coding strand, the complement: NEBL is on the minus strand). VCF-style: chr10-20868690-C-A. GRCh37 (hg19) VCF-style: chr10-21157619-C-A.
Other names: c.250-55750G>T (NM_001377326.1, NM_001377327.1, NM_001377328.1); c.358-55750G>T (NM_213569.2, NM_001173484.2, NM_001377322.1); c.301-55750G>T (NM_001377324.1); c.292-55750G>T (NM_001377325.1); c.310-55750G>T (NM_001377323.1); c.658G>T (NM_006393.2); short protein forms V220L.
Identifiers: ClinVar variation 1057965 (VCV001057965.8), dbSNP rs571563897, ClinGen allele CA376103166.